The following is an entry in ClinVar:

ClinVar aggregate classification (germline): Uncertain significance (1 of 4 stars; one submission).

Allele frequency attached by ClinVar (database versions not stated): TOPMed below 0.00001; gnomAD 0.00001.
gnomAD v4.1: 2 of 1,614,162 alleles (0.00012%); highest among the groups gnomAD compares: Non-Finnish European, 0.00017%; no homozygotes.

Submission:

GeneDx
Classification: Uncertain significance. Last evaluated: 2022-06-21. Review status: criteria provided, single submitter. Criteria: GeneDx Variant Classification Process June 2021. Collection method: clinical testing. Allele origin: germline. Affected: yes.
Comment: Not observed at significant frequency in large population cohorts (gnomAD); In silico analysis supports that this variant does not alter splicing; Has not been previously published as pathogenic or benign to our knowledge

NM_001195263.2(PDZD7):c.565C>T (p.Leu189=)

Gene: PDZD7 (PDZ domain containing 7; minus strand). Cytogenetic location: 10q24.31.
Variant type: single nucleotide variant.
Coding change: c.565C>T on transcript NM_001195263.2 (MANE Select); coding-DNA position 565, C replaced by T.
Protein change: p.Leu189=; no amino-acid change (leucine 189 retained).
Molecular consequence: synonymous variant.
Genome position (GRCh38, 1-based): chr10:101,022,363, G>A on the plus strand (C>T on the coding strand, the complement: PDZD7 is on the minus strand). VCF-style: chr10-101022363-G-A. GRCh37 (hg19) VCF-style: chr10-102782120-G-A.
Other names: c.565C>T, p.Leu189= (NM_001351044.2, NM_024895.5).
Identifiers: ClinVar variation 1806606 (VCV001806606.1), dbSNP rs1249943771, ClinGen allele CA471188090.